The following is an entry in ClinVar:

ClinVar aggregate classification (germline): Uncertain significance (1 of 4 stars; one submission).

Conditions:
Primary dilated cardiomyopathy (DCM). Also called: Dilated Cardiomyopathy. Identifiers: Orphanet 217604, MedGen C0007193, MeSH D002311, MONDO:0005021, HP:0001644. Inheritance: Various modes of inheritance.
Hypertrophic cardiomyopathy. Also called: HYPERTROPHIC MYOCARDIOPATHY. Identifiers: Orphanet 217569, MedGen C0007194, MeSH D002312, MONDO:0005045, HP:0001639.

gnomAD v4.1: 5 of 1,614,202 alleles (0.00031%); highest among the groups gnomAD compares: Non-Finnish European, 0.00042%; no homozygotes.

Submission:

Labcorp Genetics (formerly Invitae), Labcorp
Classification: Uncertain significance for Hypertrophic cardiomyopathy; Primary dilated cardiomyopathy. Last evaluated: 2020-01-30. Review status: criteria provided, single submitter. Criteria: Invitae Variant Classification Sherloc (09022015). Collection method: clinical testing. Allele origin: germline.
Comment: In summary, the available evidence is currently insufficient to determine the role of this variant in disease. Therefore, it has been classified as a Variant of Uncertain Significance. Algorithms developed to predict the effect of missense changes on protein structure and function (SIFT, PolyPhen-2, Align-GVGD) all suggest that this variant is likely to be tolerated, but these predictions have not been confirmed by published functional studies and their clinical significance is uncertain. This variant has not been reported in the literature in individuals with PDLIM3-related conditions. This variant is not present in population databases (ExAC no frequency). This sequence change replaces phenylalanine with tyrosine at codon 115 of the PDLIM3 protein (p.Phe115Tyr). The phenylalanine residue is highly conserved and there is a small physicochemical difference between phenylalanine and tyrosine.

NM_014476.6(PDLIM3):c.344T>A (p.Phe115Tyr)

Genes: PDLIM3 (PDZ and LIM domain 3; minus strand), LOC126807246 (BRD4-independent group 4 enhancer GRCh37_chr4:186434842-186436041; plus strand). Cytogenetic location: 4q35.1.
Variant type: single nucleotide variant.
Coding change: c.344T>A on transcript NM_014476.6 (MANE Select); coding-DNA position 344, T replaced by A.
Protein change: p.Phe115Tyr; replaces phenylalanine 115 with tyrosine.
Molecular consequence: missense variant. On other transcripts: intron variant (1).
Genome position (GRCh38, 1-based): chr4:185,514,324, A>T on the plus strand (T>A on the coding strand, the complement: PDLIM3 is on the minus strand). VCF-style: chr4-185514324-A-T. GRCh37 (hg19) VCF-style: chr4-186435478-A-T.
Other names: c.344T>A, p.Phe115Tyr (NM_001257962.2); c.107T>A, p.Phe36Tyr (NM_001257963.2); c.518+379T>A (NM_001114107.5); short protein forms F115Y, F36Y.
Identifiers: ClinVar variation 1057060 (VCV001057060.12), dbSNP rs1259450618, ClinGen allele CA358925015.
Genomic context (GRCh38, chr4:185,514,324, plus strand): 5'-TATGACCTGCTTCGGCCCGGGATCACGAAAGGTTTGGGCCGAATATTATGCTTGTGTTCA[A>T]AGTAGTTCCCGTCCTGTGAAAACAAAGCGTTAAAAAGGCCCTCAGTGGAAGGCGGACACT-3'
Protein context (NP_055291.2, residues 105-125): LESEPQDGNY[Phe115Tyr]EHKHNIRPKP